The following is an entry in ClinVar:

NM_000059.4(BRCA2):c.6164dup (p.Ser2056fs)

Gene: BRCA2 (BRCA2 DNA repair associated; plus strand). Cytogenetic location: 13q13.1.
Variant type: Duplication.
Coding change: c.6164dup on transcript NM_000059.4 (MANE Select); coding-DNA position 6164, one base duplicated (T; older notation c.6164dupT).
Protein change: p.Ser2056fs; shifts the reading frame from serine 2056.
Molecular consequence: frameshift variant.
Genome position (GRCh38, 1-based): chr13:32,340,519, T duplicated; the last of 3 consecutive T bases (chr13:32,340,517-32,340,519); duplicating any one gives the same sequence. VCF-style (leftmost placement, unchanged base first): chr13-32340516-C-CT. GRCh37 (hg19) VCF-style: chr13-32914653-C-CT.
Other names: c.6164dupT (NM_000059.3); short protein forms S2056fs.
Identifiers: ClinVar variation 548380 (VCV000548380.1), dbSNP rs397507831, ClinGen allele CA645372977.

ClinVar aggregate classification (germline): Pathogenic. Review status: reviewed by expert panel (3 of 4 stars). 2 submissions from 2 submitters: Pathogenic (1). 1 of the submissions does not count toward it. Last evaluated 2017-12-15.

Conditions:
Hereditary breast ovarian cancer syndrome. Also called: Hereditary breast and ovarian cancer; Hereditary breast and/or ovarian cancer syndrome; Hereditary breast and ovarian cancer syndrome (HBOC); Breast and ovarian cancer; BRCA1- and BRCA2-Associated Hereditary Breast and Ovarian Cancer; Hereditary breast and ovarian cancer syndrome. Identifiers: Orphanet 145, MedGen C0677776, MeSH D061325, MONDO:0003582. Disease mechanism: loss of function.
Breast-ovarian cancer, familial, susceptibility to, 2 (BROVCA2). Also called: BRCA2 Hereditary Breast and Ovarian Cancer. Identifiers: Orphanet 145, MedGen C2675520, MONDO:0012933, OMIM 612555. Disease mechanism: loss of function.

Submissions (2):

Evidence-based Network for the Interpretation of Germline Mutant Alleles (ENIGMA)
Classification: Pathogenic for Breast-ovarian cancer, familial, susceptibility to, 2. Last evaluated: 2017-12-15. Review status: reviewed by expert panel. Criteria: ENIGMA BRCA1/2 Classification Criteria (2017-06-29). Collection method: curation. Allele origin: germline. Study: ENIGMA.
Comment: Variant allele predicted to encode a truncated non-functional protein.

Research Molecular Genetics Laboratory, Women's College Hospital, University of Toronto
Classification: Pathogenic for Hereditary breast ovarian cancer syndrome. Last evaluated: 2014-01-31. Review status: no assertion criteria provided. Collection method: research. Allele origin: germline. Affected: yes. Study: The Canadian Open Genetics Repository (COGR). Not counted in ClinVar's aggregate classification.